The following is an entry in ClinVar:

ClinVar aggregate classification (germline): Pathogenic (1 of 4 stars; one submission).

Conditions:
46 XY differences of sex development. Also called: 46, XY disorder of sex development (DSD); 46,XY disorder of sex development. Identifiers: Orphanet 98085, MedGen C2751824, MONDO:0020040.
Oligosynaptic infertility (SPGF1). Also called: SPERMATOGENIC FAILURE 1; OLIGOCHIASMATIC INFERTILITY. Identifiers: MedGen C0403810, MONDO:0009776, OMIM 258150.

Submission:

Labcorp Genetics (formerly Invitae), Labcorp
Classification: Pathogenic for 46 XY differences of sex development; Oligosynaptic infertility. Last evaluated: 2025-10-06. Review status: criteria provided, single submitter. Criteria: Invitae Variant Classification Sherloc (09022015). Collection method: clinical testing. Allele origin: germline.
Comment: This sequence change creates a premature translational stop signal (p.Asp278Alafs*18) in the NR5A1 gene. It is expected to result in an absent or disrupted protein product. Loss-of-function variants in NR5A1 are known to be pathogenic (PMID: 10369247, 12907682, 19246354). This variant is not present in population databases (gnomAD no frequency). This variant has not been reported in the literature in individuals affected with NR5A1-related conditions. For these reasons, this variant has been classified as Pathogenic.

Literature cited by the submitters: PubMed 10369247; PubMed 12907682; PubMed 19246354.

NM_004959.5(NR5A1):c.833del (p.Asp278fs)

Gene: NR5A1 (nuclear receptor subfamily 5 group A member 1; minus strand). Cytogenetic location: 9q33.3.
Variant type: Deletion.
Coding change: c.833del on transcript NM_004959.5 (MANE Select); coding-DNA position 833, one base deleted (A; older notation c.833delA).
Protein change: p.Asp278fs; shifts the reading frame from aspartic acid 278.
Molecular consequence: frameshift variant.
Genome position (GRCh38, 1-based): chr9:124,500,127, T deleted on the plus strand (A on the coding strand, the reverse complement: NR5A1 is on the minus strand). VCF-style (leftmost placement, unchanged base first): chr9-124500126-GT-G. GRCh37 (hg19) VCF-style: chr9-127262405-GT-G.
Other names: short protein forms D278fs.
Identifiers: ClinVar variation 4786327 (VCV004786327.1).